The following is an entry in ClinVar:

ClinVar aggregate classification (germline): Benign/Likely benign. Review status: criteria provided, multiple submitters, no conflicts (2 of 4 stars). 3 submissions from 3 submitters: Benign (1); Likely benign (2). Last evaluated 2024-09-24.

Conditions:
Hereditary cancer-predisposing syndrome. Also called: Tumor predisposition; Neoplastic Syndromes, Hereditary; Hereditary neoplastic syndrome; Hereditary Cancer Syndrome. Identifiers: Orphanet 140162, MedGen C0027672, MeSH D009386, MONDO:0015356.
Familial melanoma. Also called: Hereditary melanoma; Hereditary cutaneous melanoma. Identifiers: Orphanet 618, MedGen C1512419, MONDO:0018961.
Melanoma, cutaneous malignant, susceptibility to, 3. Also called: Cutaneous malignant melanoma 3. Identifiers: Orphanet 618, MedGen C1836892, MONDO:0012183, OMIM 609048.

Submissions (3):

Myriad Genetics, Inc.
Classification: Benign for Melanoma, cutaneous malignant, susceptibility to, 3. Last evaluated: 2024-09-24. Review status: criteria provided, single submitter. Criteria: Myriad Autosomal Dominant, Autosomal Recessive and X-Linked Classification Criteria (2023). Collection method: clinical testing. Allele origin: unknown.
Comment: This variant is considered benign. This variant is a silent/synonymous amino acid change and it is not expected to impact splicing.

Labcorp Genetics (formerly Invitae), Labcorp
Classification: Likely benign for Familial melanoma. Last evaluated: 2023-04-07. Review status: criteria provided, single submitter. Criteria: Invitae Variant Classification Sherloc (09022015). Collection method: clinical testing. Allele origin: germline.

Ambry Genetics
Classification: Likely benign for Hereditary cancer-predisposing syndrome. Last evaluated: 2023-03-09. Review status: criteria provided, single submitter. Criteria: Ambry Variant Classification Scheme 2023. Collection method: clinical testing. Allele origin: germline.

NM_000075.4(CDK4):c.117C>A (p.Val39=)

Gene: CDK4 (cyclin dependent kinase 4; minus strand). Cytogenetic location: 12q14.1.
Variant type: single nucleotide variant.
Coding change: c.117C>A on transcript NM_000075.4 (MANE Select); coding-DNA position 117, C replaced by A.
Protein change: p.Val39=; no amino-acid change (valine 39 retained).
Molecular consequence: synonymous variant.
Genome position (GRCh38, 1-based): chr12:57,751,601, G>T on the plus strand (C>A on the coding strand, the complement: CDK4 is on the minus strand). VCF-style: chr12-57751601-G-T. GRCh37 (hg19) VCF-style: chr12-58145384-G-T.
Other names: c.117C>A (NM_000075.3).
Identifiers: ClinVar variation 1149311 (VCV001149311.13), dbSNP rs1595111112, ClinGen allele CA480404884.
Genomic context (GRCh38, chr12:57,751,601, plus strand): 5'-TAAAGCCACCTCACGAACTGTGCTGATGGGAAGGCCTCCTCCACCTCCTCCTCCATTGGG[G>T]ACTCTCACACTCTTGAGGGCCACAAAGTGGCCACTGTGGGGATCACGGGCCTTGTACACT-3'
Protein context (NP_000066.1, residues 29-49): GHFVALKSVR[Val39=]PNGGGGGGGL